The following is an entry in ClinVar:

ClinVar aggregate classification (germline): Uncertain significance. Review status: criteria provided, multiple submitters, no conflicts (2 of 4 stars). 2 submissions from 2 submitters: Uncertain significance (2). Last evaluated 2024-03-31.

Conditions:
Autosomal dominant polycystic kidney disease. Identifiers: Orphanet 730, MedGen C0085413, MONDO:0004691.

Allele frequency attached by ClinVar (database versions not stated): gnomAD exomes below 0.00001 and 0.00001; gnomAD 0.00001; TOPMed 0.00002.
gnomAD v4.1: 10 of 1,583,594 alleles (0.00063%); highest among the groups gnomAD compares: Non-Finnish European, 0.00078%; no homozygotes.

Submissions (2):

Labcorp Genetics (formerly Invitae), Labcorp
Classification: Uncertain significance for Autosomal dominant polycystic kidney disease. Last evaluated: 2024-03-31. Review status: criteria provided, single submitter. Criteria: Invitae Variant Classification Sherloc (09022015). Collection method: clinical testing. Allele origin: germline.
Comment: This sequence change replaces leucine, which is neutral and non-polar, with histidine, which is basic and polar, at codon 205 of the PKD2 protein (p.Leu205His). This variant is present in population databases (no rsID available, gnomAD 0.002%). This variant has not been reported in the literature in individuals affected with PKD2-related conditions. ClinVar contains an entry for this variant (Variation ID: 423763). Advanced modeling of protein sequence and biophysical properties (such as structural, functional, and spatial information, amino acid conservation, physicochemical variation, residue mobility, and thermodynamic stability) performed at Invitae indicates that this missense variant is not expected to disrupt PKD2 protein function with a negative predictive value of 80%. In summary, the available evidence is currently insufficient to determine the role of this variant in disease. Therefore, it has been classified as a Variant of Uncertain Significance.

GeneDx
Classification: Uncertain significance. Last evaluated: 2017-02-23. Review status: criteria provided, single submitter. Criteria: GeneDx Variant Classification (06012015). Collection method: clinical testing. Allele origin: germline. Affected: yes.
Comment: The L205H variant in the PKD2 gene has not been reported previously as a pathogenic variant, nor as a benign variant, to our knowledge. The L205H variant is not observed in large population cohorts (Lek et al., 2016; 1000 Genomes Consortium et al., 2015; Exome Variant Server). The L205H variant is a non-conservative amino acid substitution, which is likely to impact secondary protein structure as these residues differ in polarity, charge, size and/or other properties. This substitution occurs at a position where amino acids with similar properties to Leucine are tolerated across species. In silico analysis predicts this variant is probably damaging to the protein structure/function. We interpret L205H as a variant of uncertain significance.

NM_000297.4(PKD2):c.614T>A (p.Leu205His)

Gene: PKD2 (polycystin 2, transient receptor potential cation channel; plus strand). Cytogenetic location: 4q22.1.
Variant type: single nucleotide variant.
Coding change: c.614T>A on transcript NM_000297.4 (MANE Select); coding-DNA position 614, T replaced by A.
Protein change: p.Leu205His; replaces leucine 205 with histidine.
Molecular consequence: missense variant. On other transcripts: non-coding transcript variant (1).
Genome position (GRCh38, 1-based): chr4:88,019,476, T>A. VCF-style: chr4-88019476-T-A. GRCh37 (hg19) VCF-style: chr4-88940628-T-A.
Other names: short protein forms L205H.
Identifiers: ClinVar variation 423763 (VCV000423763.6), dbSNP rs1064796616, ClinGen allele CA16618059.